The following is an entry in ClinVar:

NM_133642.5(LARGE1):c.1759A>G (p.Asn587Asp)

Gene: LARGE1 (LARGE xylosyl- and glucuronyltransferase 1; minus strand). Cytogenetic location: 22q12.3.
Variant type: single nucleotide variant.
Coding change: c.1759A>G on transcript NM_133642.5 (MANE Select); coding-DNA position 1759, A replaced by G.
Protein change: p.Asn587Asp; replaces asparagine 587 with aspartic acid.
Molecular consequence: missense variant. On other transcripts: intron variant (3).
Genome position (GRCh38, 1-based): chr22:33,283,320, T>C on the plus strand (A>G on the coding strand, the complement: LARGE1 is on the minus strand). VCF-style: chr22-33283320-T-C. GRCh37 (hg19) VCF-style: chr22-33679306-T-C.
Other names: c.1759A>G, p.Asn587Asp (NM_001362949.2, NM_001362951.2, NM_001362953.2 and 4 more transcripts); c.1603A>G, p.Asn535Asp (NM_001378629.1); c.1156A>G, p.Asn386Asp (NM_001378630.1); c.1731-6065A>G (NM_001378627.1, NM_001378628.1); c.972-6065A>G (NM_001378631.1); short protein forms N587D, N386D, N535D.
Identifiers: ClinVar variation 579767 (VCV000579767.6), dbSNP rs749685972, ClinGen allele CA323708852.

ClinVar aggregate classification (germline): Uncertain significance (1 of 4 stars; one submission).

Conditions:
Muscular dystrophy-dystroglycanopathy type B6 (MDDGB6). Also called: MUSCULAR DYSTROPHY-DYSTROGLYCANOPATHY (CONGENITAL WITH IMPAIRED INTELLECTUAL DEVELOPMENT), TYPE B, 6; MUSCULAR DYSTROPHY, CONGENITAL, LARGE-RELATED; MUSCULAR DYSTROPHY, CONGENITAL, TYPE 1D. Identifiers: MedGen C1837229, MONDO:0012138, OMIM 608840.

Allele frequency attached by ClinVar (database versions not stated): TOPMed below 0.00001; gnomAD exomes 0.00002.
gnomAD v4.1: 37 of 1,614,074 alleles (0.0023%); highest among the groups gnomAD compares: Non-Finnish European, 0.003%; no homozygotes.

Submission:

Labcorp Genetics (formerly Invitae), Labcorp
Classification: Uncertain significance for Muscular dystrophy-dystroglycanopathy type B6. Last evaluated: 2021-08-31. Review status: criteria provided, single submitter. Criteria: Invitae Variant Classification Sherloc (09022015). Collection method: clinical testing. Allele origin: germline.
Comment: This sequence change replaces asparagine with aspartic acid at codon 587 of the LARGE1 protein (p.Asn587Asp). The asparagine residue is moderately conserved and there is a small physicochemical difference between asparagine and aspartic acid. This variant is not present in population databases (ExAC no frequency). This variant has not been reported in the literature in individuals affected with LARGE1-related conditions. Algorithms developed to predict the effect of missense changes on protein structure and function (SIFT, PolyPhen-2, Align-GVGD) all suggest that this variant is likely to be tolerated. In summary, the available evidence is currently insufficient to determine the role of this variant in disease. Therefore, it has been classified as a Variant of Uncertain Significance.